The following is an entry in ClinVar:

ClinVar aggregate classification (germline): Uncertain significance (1 of 4 stars; one submission).

gnomAD v4.1: 1 of 1,613,820 alleles (0.000062%); highest among the groups gnomAD compares: Non-Finnish European, 0.000085%; no homozygotes.

Submission:

Ambry Genetics
Classification: Uncertain significance. Last evaluated: 2024-05-17. Review status: criteria provided, single submitter. Criteria: Ambry Variant Classification Scheme 2023. Collection method: clinical testing. Allele origin: germline.
Comment: The p.P1046R variant (also known as c.3137C>G), located in coding exon 27 of the PRKDC gene, results from a C to G substitution at nucleotide position 3137. The proline at codon 1046 is replaced by arginine, an amino acid with dissimilar properties. This amino acid position is conserved. In addition, the in silico prediction for this alteration is inconclusive. Based on the available evidence, the clinical significance of this variant remains unclear.

NM_006904.7(PRKDC):c.3137C>G (p.Pro1046Arg)

Gene: PRKDC (protein kinase, DNA-activated, catalytic subunit; minus strand). Cytogenetic location: 8q11.21.
Variant type: single nucleotide variant.
Coding change: c.3137C>G on transcript NM_006904.7 (MANE Select); coding-DNA position 3137, C replaced by G.
Protein change: p.Pro1046Arg; replaces proline 1046 with arginine.
Molecular consequence: missense variant.
Genome position (GRCh38, 1-based): chr8:47,902,701, G>C on the plus strand (C>G on the coding strand, the complement: PRKDC is on the minus strand). VCF-style: chr8-47902701-G-C. GRCh37 (hg19) VCF-style: chr8-48815261-G-C.
Other names: c.3137C>G, p.Pro1046Arg (NM_001081640.2); short protein forms P1046R.
Identifiers: ClinVar variation 3310150 (VCV003310150.1).